The following is an entry in ClinVar:

ClinVar aggregate classification (germline): Pathogenic/Likely pathogenic. Review status: criteria provided, multiple submitters, no conflicts (2 of 4 stars). 2 submissions from 2 submitters: Pathogenic (1); Likely pathogenic (1). Last evaluated 2025-07-07.

Conditions:
Retinitis pigmentosa 39 (RP39). Identifiers: Orphanet 791, MedGen C3151138, MONDO:0013436, OMIM 613809.
Usher syndrome type 2A. Also called: RETINAL DISEASE IN USHER SYNDROME TYPE IIA, MODIFIER OF; USHER SYNDROME, TYPE IIA. Identifiers: Orphanet 231178, Orphanet 886, MedGen C1848634, MONDO:0010169, OMIM 276901.

Submissions (2):

Labcorp Genetics (formerly Invitae), Labcorp
Classification: Pathogenic. Last evaluated: 2025-07-07. Review status: criteria provided, single submitter. Criteria: Invitae Variant Classification Sherloc (09022015). Collection method: clinical testing. Allele origin: germline.
Comment: This sequence change replaces cysteine, which is neutral and slightly polar, with phenylalanine, which is neutral and non-polar, at codon 584 of the USH2A protein (p.Cys584Phe). This variant is not present in population databases (gnomAD no frequency). This missense change has been observed in individual(s) with Usher syndrome, type 2A (PMID: 24516651, 26075083). In at least one individual the data is consistent with being in trans (on the opposite chromosome) from a pathogenic variant. It has also been observed to segregate with disease in related individuals. ClinVar contains an entry for this variant (Variation ID: 945953). Invitae Evidence Modeling of protein sequence and biophysical properties (such as structural, functional, and spatial information, amino acid conservation, physicochemical variation, residue mobility, and thermodynamic stability) indicates that this missense variant is expected to disrupt USH2A protein function with a positive predictive value of 95%. For these reasons, this variant has been classified as Pathogenic.

Juno Genomics, Hangzhou Juno Genomics, Inc
Classification: Likely pathogenic for Retinitis pigmentosa 39; Usher syndrome type 2A. Review status: criteria provided, single submitter. Criteria: ACMG Guidelines, 2015. Collection method: clinical testing. Allele origin: germline.
Comment: Absent from controls (or at extremely low frequency if recessive) in Genome Aggregation Database.;Multiple lines of computational evidence support a deleterious effect on the gene or gene product.;For recessive disorders, detected in trans with a pathogenic variant.;Co-segregation with disease in multiple affected family members.;Patient's phenotype or family history is highly specific for a disease with a single genetic etiology.

Literature cited by the submitters: PubMed 24516651 (cited by Labcorp Genetics (formerly Invitae), Labcorp); PubMed 26075083 (cited by Labcorp Genetics (formerly Invitae), Labcorp).

NM_206933.4(USH2A):c.1751G>T (p.Cys584Phe)

Gene: USH2A (usherin; minus strand). Cytogenetic location: 1q41.
Variant type: single nucleotide variant.
Coding change: c.1751G>T on transcript NM_206933.4 (MANE Select); coding-DNA position 1751, G replaced by T.
Protein change: p.Cys584Phe; replaces cysteine 584 with phenylalanine.
Molecular consequence: missense variant.
Genome position (GRCh38, 1-based): chr1:216,292,264, C>A on the plus strand (G>T on the coding strand, the complement: USH2A is on the minus strand). VCF-style: chr1-216292264-C-A. GRCh37 (hg19) VCF-style: chr1-216465606-C-A.
Other names: c.1751G>T, p.Cys584Phe (NM_007123.6); short protein forms C584F.
Identifiers: ClinVar variation 945953 (VCV000945953.11), dbSNP rs2037016118, ClinGen allele CA344903183.
Genomic context (GRCh38, chr1:216,292,264, plus strand): 5'-ACTCCTCCTCCCCCTCTGAAGTGCTCAAAAGGAAATGGGTCTACAGAGATGTTGTAATGG[C>A]AGCTTTTGGAATGGCTGTTGCATTGACAAGGTTTACAATTGAAAGCGTAAACTTGATCAC-3'
Protein context (NP_996816.3, residues 574-594): PCQCNSHSKS[Cys584Phe]HYNISVDPFP